The following is an entry in ClinVar:

NM_005445.4(SMC3):c.3076T>C (p.Tyr1026His)

Gene: SMC3 (structural maintenance of chromosomes 3; plus strand). Cytogenetic location: 10q25.2.
Variant type: single nucleotide variant.
Coding change: c.3076T>C on transcript NM_005445.4 (MANE Select); coding-DNA position 3076, T replaced by C.
Protein change: p.Tyr1026His; replaces tyrosine 1026 with histidine.
Molecular consequence: missense variant.
Genome position (GRCh38, 1-based): chr10:110,602,149, T>C. VCF-style: chr10-110602149-T-C. GRCh37 (hg19) VCF-style: chr10-112361907-T-C.
Other names: short protein forms Y1026H.
Identifiers: ClinVar variation 3654145 (VCV003654145.2).

ClinVar aggregate classification (germline): Uncertain significance (1 of 4 stars; one submission).

Conditions:
Cornelia de Lange syndrome 3 (CDLS3). Also called: SMC3-Related Cornelia de Lange Syndrome; CORNELIA DE LANGE SYNDROME 3 WITH OR WITHOUT MIDLINE BRAIN DEFECTS. Identifiers: Orphanet 199, MedGen C1853099, MONDO:0012555, OMIM 610759.

Submission:

Labcorp Genetics (formerly Invitae), Labcorp
Classification: Uncertain significance for Cornelia de Lange syndrome 3. Last evaluated: 2024-05-22. Review status: criteria provided, single submitter. Criteria: Invitae Variant Classification Sherloc (09022015). Collection method: clinical testing. Allele origin: germline.
Comment: This sequence change replaces tyrosine, which is neutral and polar, with histidine, which is basic and polar, at codon 1026 of the SMC3 protein (p.Tyr1026His). This variant is not present in population databases (gnomAD no frequency). This variant has not been reported in the literature in individuals affected with SMC3-related conditions. Advanced modeling of protein sequence and biophysical properties (such as structural, functional, and spatial information, amino acid conservation, physicochemical variation, residue mobility, and thermodynamic stability) performed at Invitae indicates that this missense variant is not expected to disrupt SMC3 protein function with a negative predictive value of 80%. In summary, the available evidence is currently insufficient to determine the role of this variant in disease. Therefore, it has been classified as a Variant of Uncertain Significance.